The following is an entry in ClinVar:

ClinVar aggregate classification (germline): Uncertain significance (1 of 4 stars; one submission).

gnomAD v4.1: 5 of 1,614,240 alleles (0.00031%); highest among the groups gnomAD compares: African/African-American, 0.004%; no homozygotes.

Submission:

Labcorp Genetics (formerly Invitae), Labcorp
Classification: Uncertain significance. Last evaluated: 2025-08-07. Review status: criteria provided, single submitter. Criteria: Invitae Variant Classification Sherloc (09022015). Collection method: clinical testing. Allele origin: germline.
Comment: This sequence change replaces glycine, which is neutral and non-polar, with arginine, which is basic and polar, at codon 284 of the RFWD3 protein (p.Gly284Arg). This variant is not present in population databases (gnomAD no frequency). This variant has not been reported in the literature in individuals affected with RFWD3-related conditions. An algorithm developed to predict the effect of missense changes on protein structure and function (PolyPhen-2) suggests that this variant is likely to be disruptive. In summary, the available evidence is currently insufficient to determine the role of this variant in disease. Therefore, it has been classified as a Variant of Uncertain Significance.

NM_018124.4(RFWD3):c.850G>A (p.Gly284Arg)

Gene: RFWD3 (ring finger and WD repeat domain 3; minus strand). Cytogenetic location: 16q23.1.
Variant type: single nucleotide variant.
Coding change: c.850G>A on transcript NM_018124.4 (MANE Select); coding-DNA position 850, G replaced by A.
Protein change: p.Gly284Arg; replaces glycine 284 with arginine.
Molecular consequence: missense variant.
Genome position (GRCh38, 1-based): chr16:74,644,678, C>T on the plus strand (G>A on the coding strand, the complement: RFWD3 is on the minus strand). VCF-style: chr16-74644678-C-T. GRCh37 (hg19) VCF-style: chr16-74678576-C-T.
Other names: c.850G>A, p.Gly284Arg (NM_001370534.1, NM_001370535.1, NM_001370536.1); c.16G>A, p.Gly6Arg (NM_001370537.1, NM_001370539.1, NM_001370540.1 and 2 more transcripts); short protein forms G6R, G284R.
Identifiers: ClinVar variation 4723932 (VCV004723932.1).